The following is an entry in ClinVar:

NM_000355.4(TCN2):c.1086C>G (p.Ala362=)

Gene: TCN2 (transcobalamin 2; plus strand). Cytogenetic location: 22q12.2.
Variant type: single nucleotide variant.
Coding change: c.1086C>G on transcript NM_000355.4 (MANE Select); coding-DNA position 1086, C replaced by G.
Protein change: p.Ala362=; no amino-acid change (alanine 362 retained).
Molecular consequence: synonymous variant.
Genome position (GRCh38, 1-based): chr22:30,617,475, C>G. VCF-style: chr22-30617475-C-G. GRCh37 (hg19) VCF-style: chr22-31013462-C-G.
Other names: c.1005C>G, p.Ala335= (NM_001184726.2).
Identifiers: ClinVar variation 762439 (VCV000762439.13), dbSNP rs553587653, ClinGen allele CA10184956.

ClinVar aggregate classification (germline): Likely benign. Review status: criteria provided, multiple submitters, no conflicts (2 of 4 stars). 3 submissions from 3 submitters: Likely benign (3). Last evaluated 2026-01-12.

Conditions:
TCN2-related disorder. Also called: TCN2-related condition.
Transcobalamin II deficiency (TCN2D). Also called: Transcolabamin II deficiency; TC II DEFICIENCY; TCN2 DEFICIENCY. Identifiers: Orphanet 859, MedGen C0342701, MONDO:0010149, OMIM 275350.

Allele frequency attached by ClinVar (database versions not stated): gnomAD 0.00001 and 0.00005; TOPMed 0.00002; gnomAD exomes 0.00009 and 0.00010; ExAC 0.00016; 1000 Genomes Project 0.00020; 1000 Genomes Project 30x 0.00031.

Submissions (3):

Labcorp Genetics (formerly Invitae), Labcorp
Classification: Likely benign for Transcobalamin II deficiency. Last evaluated: 2026-01-12. Review status: criteria provided, single submitter. Criteria: Invitae Variant Classification Sherloc (09022015). Collection method: clinical testing. Allele origin: germline.

PreventionGenetics, part of Exact Sciences
Classification: Likely benign for TCN2-related condition. Last evaluated: 2025-08-11. Review status: criteria provided, single submitter. Criteria: ACMG Guidelines, 2015. Collection method: clinical testing. Allele origin: germline.
Comment: This variant is classified as likely benign based on ACMG/AMP sequence variant interpretation guidelines (Richards et al. 2015 PMID: 25741868, with internal and published modifications).

Blueprint Genetics
Classification: Likely benign. Last evaluated: 2024-04-08. Review status: criteria provided, single submitter. Criteria: ACMG Guidelines, 2015. Collection method: clinical testing. Allele origin: germline.